The following is an entry in ClinVar:

NM_001148.6(ANK2):c.6325G>A (p.Glu2109Lys)

Genes: ANK2 (ankyrin 2; plus strand), LOC126807136 (MED14-independent group 3 enhancer GRCh37_chr4:114274931-114276130; plus strand). Cytogenetic location: 4q26.
Variant type: single nucleotide variant.
Coding change: c.6325G>A on transcript NM_001148.6 (MANE Select); coding-DNA position 6325, G replaced by A.
Protein change: p.Glu2109Lys; replaces glutamic acid 2109 with lysine.
Molecular consequence: missense variant. On other transcripts: intron variant (68).
Genome position (GRCh38, 1-based): chr4:113,354,943, G>A. VCF-style: chr4-113354943-G-A. GRCh37 (hg19) VCF-style: chr4-114276099-G-A.
Other names: c.6325G>A (NM_001148.4); c.6091G>A, p.Glu2031Lys (NM_001386142.1); c.2725G>A, p.Glu909Lys (NM_001386166.1); c.6466G>A, p.Glu2156Lys (NM_001386174.1); c.6442G>A, p.Glu2148Lys (NM_001386175.1); c.4411+4694G>A (NM_001386186.2, NM_001386148.2); c.4213+4694G>A (NM_001354269.3); c.4291+4694G>A (NM_001386187.2); and 36 more; short protein forms E2109K, E2031K, E2148K, E2156K, E909K.
Identifiers: ClinVar variation 376821 (VCV000376821.50), dbSNP rs751026615, ClinGen allele CA3051397.

ClinVar aggregate classification (germline): Conflicting classifications of pathogenicity. Review status: criteria provided, conflicting classifications (1 of 4 stars). 4 submissions from 4 submitters: Uncertain significance (3); Likely benign (1). Last evaluated 2024-12-05.

Conditions:
Cardiovascular phenotype. Identifiers: MedGen CN230736.
Long QT syndrome (LQTS). Identifiers: MedGen C0023976, MeSH D008133, MONDO:0002442. Disease mechanism: loss of function. Inheritance: Various modes of inheritance.

Allele frequency attached by ClinVar (database versions not stated): ExAC 0.00001; gnomAD exomes 0.00002 and 0.00004; TOPMed 0.00005; gnomAD 0.00009 and 0.00011.
gnomAD v4.1: 38 of 1,613,974 alleles (0.0024%); highest among the groups gnomAD compares: Admixed American, 0.023%; no homozygotes.

Submissions (4):

Ambry Genetics
Classification: Likely benign for Cardiovascular phenotype. Last evaluated: 2024-12-05. Review status: criteria provided, single submitter. Criteria: Ambry Variant Classification Scheme 2023. Collection method: clinical testing. Allele origin: germline.

Labcorp Genetics (formerly Invitae), Labcorp
Classification: Uncertain significance for Long QT syndrome. Last evaluated: 2024-02-23. Review status: criteria provided, single submitter. Criteria: Invitae Variant Classification Sherloc (09022015). Collection method: clinical testing. Allele origin: germline.
Comment: This sequence change replaces glutamic acid, which is acidic and polar, with lysine, which is basic and polar, at codon 2109 of the ANK2 protein (p.Glu2109Lys). This variant is present in population databases (rs751026615, gnomAD 0.01%). This variant has not been reported in the literature in individuals affected with ANK2-related conditions. ClinVar contains an entry for this variant (Variation ID: 376821). Algorithms developed to predict the effect of missense changes on protein structure and function output the following: SIFT: "Not Available"; PolyPhen-2: "Benign"; Align-GVGD: "Not Available". The lysine amino acid residue is found in multiple mammalian species, which suggests that this missense change does not adversely affect protein function. In summary, the available evidence is currently insufficient to determine the role of this variant in disease. Therefore, it has been classified as a Variant of Uncertain Significance.

CeGaT Center for Human Genetics Tuebingen
Classification: Uncertain significance. Last evaluated: 2019-04-01. Review status: criteria provided, single submitter. Criteria: CeGaT Center For Human Genetics Tuebingen Variant Classification Criteria Version 2. Collection method: clinical testing. Allele origin: germline. Affected: yes. Observed: 1 variant allele.

Center for Pediatric Genomic Medicine, Children's Mercy Hospital and Clinics
Classification: Uncertain significance. Last evaluated: 2016-11-03. Review status: criteria provided, single submitter. Criteria: ACMG Guidelines, 2015. Collection method: clinical testing. Allele origin: germline.
ClinVar note: Converted during submission from Uncertain Significance to Uncertain significance.